The following is an entry in ClinVar:

NM_002693.3(POLG):c.1361A>C (p.Glu454Ala)

Gene: POLG (DNA polymerase gamma, catalytic subunit; minus strand). Cytogenetic location: 15q26.1.
Variant type: single nucleotide variant.
Coding change: c.1361A>C on transcript NM_002693.3 (MANE Select); coding-DNA position 1361, A replaced by C.
Protein change: p.Glu454Ala; replaces glutamic acid 454 with alanine.
Molecular consequence: missense variant.
Genome position (GRCh38, 1-based): chr15:89,327,239, T>G on the plus strand (A>C on the coding strand, the complement: POLG is on the minus strand). VCF-style: chr15-89327239-T-G. GRCh37 (hg19) VCF-style: chr15-89870470-T-G.
Other names: c.1361A>C, p.Glu454Ala (NM_001126131.2); short protein forms E454A.
Identifiers: ClinVar variation 1163975 (VCV001163975.6), dbSNP rs1567191400, ClinGen allele CA393762032.

ClinVar aggregate classification (germline): Uncertain significance. Review status: criteria provided, multiple submitters, no conflicts (2 of 4 stars). 2 submissions from 2 submitters: Uncertain significance (2). Last evaluated 2025-08-11.

Conditions:
Progressive sclerosing poliodystrophy (MTDPS4A). Also called: ALPERS PROGRESSIVE INFANTILE POLIODYSTROPHY; Alpers-Huttenlocher Syndrome (AHS); NEURONAL DEGENERATION OF CHILDHOOD WITH LIVER DISEASE, PROGRESSIVE; Mitochondrial DNA depletion syndrome 4A (Alpers type); Mitochondrial DNA Depletion Syndrome 4A; Alpers Syndrome. Identifiers: Orphanet 726, MedGen C0205710, MONDO:0008758, OMIM 203700.

Allele frequency attached by ClinVar (database versions not stated): gnomAD exomes below 0.00001; TOPMed below 0.00001; gnomAD 0.00001.

Submissions (2):

Labcorp Genetics (formerly Invitae), Labcorp
Classification: Uncertain significance for Progressive sclerosing poliodystrophy. Last evaluated: 2025-08-11. Review status: criteria provided, single submitter. Criteria: Invitae Variant Classification Sherloc (09022015). Collection method: clinical testing. Allele origin: germline.
Comment: This sequence change replaces glutamic acid, which is acidic and polar, with alanine, which is neutral and non-polar, at codon 454 of the POLG protein (p.Glu454Ala). This variant is not present in population databases (gnomAD no frequency). This variant has not been reported in the literature in individuals affected with POLG-related conditions. ClinVar contains an entry for this variant (Variation ID: 1163975). Invitae Evidence Modeling of protein sequence and biophysical properties (such as structural, functional, and spatial information, amino acid conservation, physicochemical variation, residue mobility, and thermodynamic stability) has been performed for this missense variant. However, the output from this modeling did not meet the statistical confidence thresholds required to predict the impact of this variant on POLG protein function. In summary, the available evidence is currently insufficient to determine the role of this variant in disease. Therefore, it has been classified as a Variant of Uncertain Significance.

Mayo Clinic Laboratories, Mayo Clinic
Classification: Uncertain significance. Last evaluated: 2020-02-12. Review status: criteria provided, single submitter. Criteria: ACMG Guidelines, 2015. Collection method: clinical testing. Allele origin: germline. Observed: 1 variant allele.